The following is an entry in ClinVar:

NM_032043.3(BRIP1):c.3009A>G (p.Ser1003=)

Gene: BRIP1 (BRCA1 interacting DNA helicase 1; minus strand). Cytogenetic location: 17q23.2.
Variant type: single nucleotide variant.
Coding change: c.3009A>G on transcript NM_032043.3 (MANE Select); coding-DNA position 3009, A replaced by G.
Protein change: p.Ser1003=; no amino-acid change (serine 1003 retained).
Molecular consequence: synonymous variant.
Genome position (GRCh38, 1-based): chr17:61,684,037, T>C on the plus strand (A>G on the coding strand, the complement: BRIP1 is on the minus strand). VCF-style: chr17-61684037-T-C. GRCh37 (hg19) VCF-style: chr17-59761398-T-C.
Identifiers: ClinVar variation 183822 (VCV000183822.22), dbSNP rs751823379, ClinGen allele CA186613.

ClinVar aggregate classification (germline): Benign/Likely benign. Review status: criteria provided, multiple submitters, no conflicts (2 of 4 stars). 7 submissions from 7 submitters: Benign (1); Likely benign (6). Last evaluated 2025-10-20.

Conditions:
Hereditary cancer-predisposing syndrome. Also called: Tumor predisposition; Hereditary Cancer Syndrome; Hereditary neoplastic syndrome; Neoplastic Syndromes, Hereditary. Identifiers: Orphanet 140162, MedGen C0027672, MeSH D009386, MONDO:0015356.
Familial cancer of breast. Also called: BREAST CANCER, FAMILIAL; hereditary breast carcinoma; Hereditary breast cancer. Identifiers: Orphanet 227535, MedGen C0346153, MONDO:0016419, OMIM 114480. Disease mechanism: loss of function.
Fanconi anemia complementation group J. Also called: BRIP1-Related Fanconi Anemia. Identifiers: Orphanet 84, MedGen C1836860, MONDO:0012187, OMIM 609054.

Allele frequency attached by ClinVar (database versions not stated): gnomAD exomes below 0.00001; ExAC 0.00001; TOPMed 0.00002.
gnomAD v4.1: 5 of 1,613,944 alleles (0.00031%); highest among the groups gnomAD compares: African/African-American, 0.0053%; no homozygotes.

Submissions (7):

Labcorp Genetics (formerly Invitae), Labcorp
Classification: Likely benign for Familial cancer of breast; Fanconi anemia complementation group J. Last evaluated: 2025-10-20. Review status: criteria provided, single submitter. Criteria: Invitae Variant Classification Sherloc (09022015). Collection method: clinical testing. Allele origin: germline.

Myriad Genetics, Inc.
Classification: Benign for Familial cancer of breast. Last evaluated: 2024-09-09. Review status: criteria provided, single submitter. Criteria: Myriad Autosomal Dominant, Autosomal Recessive and X-Linked Classification Criteria (2023). Collection method: clinical testing. Allele origin: unknown.
Comment: This variant is considered benign. This variant is a silent/synonymous amino acid change and it is not expected to impact splicing.

Women's Health and Genetics/Laboratory Corporation of America, LabCorp
Classification: Likely benign. Last evaluated: 2019-08-21. Review status: criteria provided, single submitter. Criteria: LabCorp Variant Classification Summary - May 2015. Collection method: clinical testing. Allele origin: germline.

Color Diagnostics, LLC DBA Color Health
Classification: Likely benign for Hereditary cancer-predisposing syndrome. Last evaluated: 2019-02-25. Review status: criteria provided, single submitter. Criteria: ACMG Guidelines, 2015. Collection method: clinical testing. Allele origin: germline.

Quest Diagnostics Nichols Institute San Juan Capistrano
Classification: Likely benign. Last evaluated: 2017-02-15. Review status: criteria provided, single submitter. Criteria: Quest Diagnostics criteria. Collection method: clinical testing. Allele origin: germline.

Ambry Genetics
Classification: Likely benign for Hereditary cancer-predisposing syndrome. Last evaluated: 2016-07-26. Review status: criteria provided, single submitter. Criteria: Ambry Variant Classification Scheme 2023. Collection method: clinical testing. Allele origin: germline.

GeneDx
Classification: Likely benign. Last evaluated: 2016-02-29. Review status: criteria provided, single submitter. Criteria: GeneDx Variant Classification (06012015). Collection method: clinical testing. Allele origin: germline. Affected: yes.
Comment: This variant is considered likely benign or benign based on one or more of the following criteria: it is a conservative change, it occurs at a poorly conserved position in the protein, it is predicted to be benign by multiple in silico algorithms, and/or has population frequency not consistent with disease.